The following is an entry in ClinVar:

NM_000448.3(RAG1):c.1534G>A (p.Val512Ile)

Gene: RAG1 (recombination activating 1; plus strand). Cytogenetic location: 11p12.
Variant type: single nucleotide variant.
Coding change: c.1534G>A on transcript NM_000448.3 (MANE Select); coding-DNA position 1534, G replaced by A.
Protein change: p.Val512Ile; replaces valine 512 with isoleucine.
Molecular consequence: missense variant.
Genome position (GRCh38, 1-based): chr11:36,574,838, G>A. VCF-style: chr11-36574838-G-A. GRCh37 (hg19) VCF-style: chr11-36596388-G-A.
Other names: c.1534G>A, p.Val512Ile (NM_001377277.1, NM_001377278.1, NM_001377279.1 and 1 more transcripts); short protein forms V512I.
Identifiers: ClinVar variation 2129381 (VCV002129381.1), dbSNP rs752688023, ClinGen allele CA5950150.

ClinVar aggregate classification (germline): Uncertain significance (1 of 4 stars; one submission).

Conditions:
Combined immunodeficiency with skin granulomas. Identifiers: Orphanet 157949, MedGen C2673536, MONDO:0009306, OMIM 233650.
Severe combined immunodeficiency, autosomal recessive, T cell-negative, B cell-negative, NK cell-positive. Also called: SCID, T CELL-NEGATIVE, B CELL-NEGATIVE, NK CELL-POSITIVE; Severe combined immunodeficiency due to complete RAG1/2 deficiency; SCID, AR, T-cell negative, B-cell negative, NK cell-positive. Identifiers: Orphanet 331206, MedGen C1832322, MONDO:0011086, OMIM 601457.

Allele frequency attached by ClinVar (database versions not stated): ExAC 0.00001; gnomAD 0.00001; TOPMed 0.00001.
gnomAD v4.1: 3 of 1,614,110 alleles (0.00019%); highest among the groups gnomAD compares: African/African-American, 0.0027%; no homozygotes.

Submission:

Labcorp Genetics (formerly Invitae), Labcorp
Classification: Uncertain significance for Combined immunodeficiency with skin granulomas; Severe combined immunodeficiency, autosomal recessive, T cell-negative, B cell-negative, NK cell-positive. Last evaluated: 2022-08-16. Review status: criteria provided, single submitter. Criteria: Invitae Variant Classification Sherloc (09022015). Collection method: clinical testing. Allele origin: germline.
Comment: This sequence change replaces valine, which is neutral and non-polar, with isoleucine, which is neutral and non-polar, at codon 512 of the RAG1 protein (p.Val512Ile). This variant is present in population databases (rs752688023, gnomAD 0.003%). This variant has not been reported in the literature in individuals affected with RAG1-related conditions. Advanced modeling of protein sequence and biophysical properties (such as structural, functional, and spatial information, amino acid conservation, physicochemical variation, residue mobility, and thermodynamic stability) performed at Invitae indicates that this missense variant is not expected to disrupt RAG1 protein function. In summary, the available evidence is currently insufficient to determine the role of this variant in disease. Therefore, it has been classified as a Variant of Uncertain Significance.